The following is an entry in ClinVar:

NM_001267550.2(TTN):c.2399A>C (p.Glu800Ala)

Gene: TTN (titin; minus strand). Cytogenetic location: 2q31.2.
Variant type: single nucleotide variant.
Coding change: c.2399A>C on transcript NM_001267550.2 (MANE Select); coding-DNA position 2399, A replaced by C.
Protein change: p.Glu800Ala; replaces glutamic acid 800 with alanine.
Molecular consequence: missense variant.
Genome position (GRCh38, 1-based): chr2:178,785,714, T>G on the plus strand (A>C on the coding strand, the complement: TTN is on the minus strand). VCF-style: chr2-178785714-T-G. GRCh37 (hg19) VCF-style: chr2-179650441-T-G.
Other names: c.2399A>C, p.Glu800Ala (NM_001256850.1, NM_133378.4, NM_133379.5); c.2261A>C, p.Glu754Ala (NM_003319.4, NM_133432.3, NM_133437.4); short protein forms E754A, E800A.
Identifiers: ClinVar variation 4076820 (VCV004076820.1).

ClinVar aggregate classification (germline): Uncertain significance (1 of 4 stars; one submission).

gnomAD v4.1: 1 of 1,614,186 alleles (0.000062%); highest among the groups gnomAD compares: Non-Finnish European, 0.000085%; no homozygotes.

Submission:

GeneDx
Classification: Uncertain significance. Last evaluated: 2025-02-20. Review status: criteria provided, single submitter. Criteria: GeneDx Variant Classification Process June 2021. Collection method: clinical testing. Allele origin: germline. Affected: yes.
Comment: Not observed at significant frequency in large population cohorts (gnomAD); Missense variant in a gene in which most reported pathogenic variants are truncating/loss of function; Has not been previously published as pathogenic or benign to our knowledge